The following is an entry in ClinVar:

ClinVar aggregate classification (germline): Likely benign. Review status: criteria provided, multiple submitters, no conflicts (2 of 4 stars). 3 submissions from 3 submitters: Likely benign (2). 1 of the submissions does not count toward it. Last evaluated 2025-11-01.

Conditions:
Methylmalonic aciduria, cblB type (MACB). Also called: METHYLMALONIC ACIDURIA, VITAMIN B12-RESPONSIVE, DUE TO DEFECT IN SYNTHESIS OF ADENOSYLCOBALAMIN, cblB TYPE; Vitamin B12-responsive methylmalonic acidemia type cblB; Methylmalonic acidemia cblB type. Identifiers: Orphanet 28, Orphanet 79311, MedGen C1855102, MONDO:0009614, OMIM 251110.

Allele frequency attached by ClinVar (database versions not stated): TOPMed 0.00003; 1000 Genomes Project 30x 0.00328; 1000 Genomes Project 0.00359.
gnomAD v4.1: 703 of 1,598,070 alleles (0.044%); highest among the groups gnomAD compares: South Asian, 0.69%; 7 homozygotes.

Submissions (3):

CeGaT Center for Human Genetics Tuebingen
Classification: Likely benign. Last evaluated: 2025-11-01. Review status: criteria provided, single submitter. Criteria: CeGaT Center For Human Genetics Tuebingen Variant Classification Criteria Version 2. Collection method: clinical testing. Allele origin: germline. Affected: yes. Observed: 2 variant alleles.
Comment: MVK: BS1

GeneDx
Classification: Likely benign. Last evaluated: 2017-06-19. Review status: criteria provided, single submitter. Criteria: GeneDx Variant Classification (06012015). Collection method: clinical testing. Allele origin: germline. Affected: yes.
Comment: This variant is considered likely benign or benign based on one or more of the following criteria: it is a conservative change, it occurs at a poorly conserved position in the protein, it is predicted to be benign by multiple in silico algorithms, and/or has population frequency not consistent with disease.

Natera, Inc.
Classification: Benign for Methylmalonic aciduria cblB type. Last evaluated: 2019-10-22. Review status: no assertion criteria provided. Collection method: clinical testing. Allele origin: germline. Not counted in ClinVar's aggregate classification.

NM_052845.4(MMAB):c.-9G>T

Genes: MMAB (metabolism of cobalamin associated B; minus strand), MVK (mevalonate kinase; plus strand). Cytogenetic location: 12q24.11.
Variant type: single nucleotide variant.
Coding change: c.-9G>T on transcript NM_052845.4 (MANE Select); 9 bases upstream of the start codon, G replaced by T.
Molecular consequence: 5 prime UTR variant. On other transcripts: non-coding transcript variant (1).
Genome position (GRCh38, 1-based): chr12:109,573,489, C>A on the plus strand (G>T on the coding strand, the complement: MMAB is on the minus strand). VCF-style: chr12-109573489-C-A. GRCh37 (hg19) VCF-style: chr12-110011294-C-A.
Identifiers: ClinVar variation 307083 (VCV000307083.12), dbSNP rs554831769, ClinGen allele CA6779099.
Genomic context (GRCh38, chr12:109,573,489, plus strand): 5'-GGCCAAGACGGCTCCCCAGGCCAAGACGGCTCCCCAGGCCGCACACAGCCATGAGCCAGG[C>A]TGCTTGACGGGACCTGACCCCGCCAGGTTCCCGTCCAGTCCGCGGGGTGACTCCACCCAC-3'